The following is an entry in ClinVar:

NM_004360.5(CDH1):c.378G>C (p.Pro126=)

Gene: CDH1 (cadherin 1; plus strand). Cytogenetic location: 16q22.1.
Variant type: single nucleotide variant.
Coding change: c.378G>C on transcript NM_004360.5 (MANE Select); coding-DNA position 378, G replaced by C.
Protein change: p.Pro126=; no amino-acid change (proline 126 retained).
Molecular consequence: synonymous variant. On other transcripts: 5 prime UTR variant (2).
Genome position (GRCh38, 1-based): chr16:68,801,884, G>C. VCF-style: chr16-68801884-G-C. GRCh37 (hg19) VCF-style: chr16-68835787-G-C.
Other names: c.378G>C, p.Pro126= (NM_001317184.2); c.-1238G>C (NM_001317185.2); c.-1442G>C (NM_001317186.2).
Identifiers: ClinVar variation 1734936 (VCV001734936.5), dbSNP rs786201504, ClinGen allele CA496152713.
Genomic context (GRCh38, chr16:68,801,884, plus strand): 5'-CTACAGAAAGTTTTCCACCAAAGTCACGCTGAATACAGTGGGGCACCACCACCGCCCCCC[G>C]CCCCATCAGGTATGTTGGCATTTTTCTGAGAAGTTCGCTGTTGTTTTAGTGCGCTGTCTA-3'
Protein context (NP_004351.1, residues 116-136): LNTVGHHHRP[Pro126=]PHQASVSGIQ

ClinVar aggregate classification (germline): Benign/Likely benign. Review status: criteria provided, multiple submitters, no conflicts (2 of 4 stars). 3 submissions from 3 submitters: Benign (1); Likely benign (2). Last evaluated 2024-09-12.

Conditions:
Hereditary diffuse gastric adenocarcinoma (HDGC). Also called: DIFFUSE GASTRIC AND LOBULAR BREAST CANCER SYNDROME. Identifiers: Orphanet 26106, MedGen C1708349, MONDO:0007648, OMIM 137215.
Hereditary cancer-predisposing syndrome. Also called: Neoplastic Syndromes, Hereditary; Tumor predisposition; Hereditary Cancer Syndrome; Hereditary neoplastic syndrome. Identifiers: Orphanet 140162, MedGen C0027672, MeSH D009386, MONDO:0015356.
Breast and/or ovarian cancer. Identifiers: MedGen CN221562.

Submissions (3):

Myriad Genetics, Inc.
Classification: Benign for Hereditary diffuse gastric adenocarcinoma. Last evaluated: 2024-09-12. Review status: criteria provided, single submitter. Criteria: Myriad Autosomal Dominant, Autosomal Recessive and X-Linked Classification Criteria (2023). Collection method: clinical testing. Allele origin: unknown.
Comment: This variant is considered benign. This variant is a silent/synonymous amino acid change and it is not expected to impact splicing.

CHEO Genetics Diagnostic Laboratory, Children's Hospital of Eastern Ontario
Classification: Likely benign for Breast and/or ovarian cancer. Last evaluated: 2021-07-20. Review status: criteria provided, single submitter. Criteria: ACMG Guidelines, 2015. Collection method: clinical testing. Allele origin: germline.

Ambry Genetics
Classification: Likely benign for Hereditary cancer-predisposing syndrome. Last evaluated: 2015-06-10. Review status: criteria provided, single submitter. Criteria: Ambry Variant Classification Scheme 2023. Collection method: clinical testing. Allele origin: germline.